The following is an entry in ClinVar:

ClinVar aggregate classification (germline): Uncertain significance. Review status: criteria provided, multiple submitters, no conflicts (2 of 4 stars). 3 submissions from 3 submitters: Uncertain significance (3). Last evaluated 2024-03-12.

Conditions:
Familial adenomatous polyposis 1 (FAP1). Also called: POLYPOSIS, ADENOMATOUS INTESTINAL; FAMILIAL ADENOMATOUS POLYPOSIS 1, ATTENUATED. Identifiers: MedGen C2713442, MONDO:0021056, OMIM 175100. Disease mechanism: loss of function.
Hereditary cancer-predisposing syndrome. Also called: Hereditary neoplastic syndrome; Neoplastic Syndromes, Hereditary; Tumor predisposition; Hereditary Cancer Syndrome. Identifiers: Orphanet 140162, MedGen C0027672, MeSH D009386, MONDO:0015356.

Submissions (3):

Baylor Genetics
Classification: Uncertain significance for Familial adenomatous polyposis 1. Last evaluated: 2024-03-12. Review status: criteria provided, single submitter. Criteria: ACMG Guidelines, 2015. Collection method: clinical testing. Allele origin: unknown.

Ambry Genetics
Classification: Uncertain significance for Hereditary cancer-predisposing syndrome. Last evaluated: 2021-05-17. Review status: criteria provided, single submitter. Criteria: Ambry Variant Classification Scheme 2023. Collection method: clinical testing. Allele origin: germline.
Comment: The p.A289V variant (also known as c.866C>T), located in coding exon 8 of the APC gene, results from a C to T substitution at nucleotide position 866. The alanine at codon 289 is replaced by valine, an amino acid with similar properties. This amino acid position is well conserved in available vertebrate species. In addition, in silico predictors for this gene do not accurately predict pathogenicity. Since supporting evidence is limited at this time, the clinical significance of this alteration remains unclear.

Labcorp Genetics (formerly Invitae), Labcorp
Classification: Uncertain significance for Familial adenomatous polyposis 1. Last evaluated: 2020-05-25. Review status: criteria provided, single submitter. Criteria: Invitae Variant Classification Sherloc (09022015). Collection method: clinical testing. Allele origin: germline.
Comment: In summary, this variant is a novel missense change with uncertain impact on protein function. It has been classified as a Variant of Uncertain Significance. Algorithms developed to predict the effect of sequence changes on RNA splicing suggest that this variant may alter RNA splicing, but this prediction has not been confirmed by published transcriptional studies. Algorithms developed to predict the effect of missense changes on protein structure and function do not agree on the potential impact of this missense change (SIFT: "Deleterious"; PolyPhen-2: "Benign"; Align-GVGD: "Class C0"). This variant is not present in population databases (ExAC no frequency) and has not been reported in the literature in individuals with a APC-related disease. This sequence change replaces alanine with valine at codon 289 of the APC protein (p.Ala289Val). The alanine residue is highly conserved and there is a small physicochemical difference between alanine and valine.

NM_000038.6(APC):c.866C>T (p.Ala289Val)

Gene: APC (APC regulator of Wnt signaling pathway; plus strand). Cytogenetic location: 5q22.2.
Variant type: single nucleotide variant.
Coding change: c.866C>T on transcript NM_000038.6 (MANE Select); coding-DNA position 866, C replaced by T.
Protein change: p.Ala289Val; replaces alanine 289 with valine.
Molecular consequence: missense variant.
Genome position (GRCh38, 1-based): chr5:112,815,526, C>T. VCF-style: chr5-112815526-C-T. GRCh37 (hg19) VCF-style: chr5-112151223-C-T.
Other names: c.866C>T, p.Ala289Val (NM_001127510.3, NM_001354895.2, NM_001354896.2 and 1 more transcripts); c.812C>T, p.Ala271Val (NM_001127511.3); c.896C>T, p.Ala299Val (NM_001354897.2, NM_001354902.2); c.791C>T, p.Ala264Val (NM_001354898.2, NM_001354904.2); c.782C>T, p.Ala261Val (NM_001354899.2); c.689C>T, p.Ala230Val (NM_001354900.2, NM_001354901.2, NM_001354905.2); c.17C>T, p.Ala6Val (NM_001354906.2); short protein forms A289V, A271V, A230V, A264V, A299V, A6V, A261V.
Identifiers: ClinVar variation 470149 (VCV000470149.13), dbSNP rs1554079159, ClinGen allele CA16023215.